The following is an entry in ClinVar:

ClinVar aggregate classification (germline): Benign/Likely benign. Review status: criteria provided, multiple submitters, no conflicts (2 of 4 stars). 4 submissions from 4 submitters: Benign (1); Likely benign (3). Last evaluated 2025-12-12.

Conditions:
TRPC6-related disorder. Also called: TRPC6-related condition.
Inborn genetic diseases. Identifiers: MedGen C0950123, MeSH D030342.
Focal segmental glomerulosclerosis 2 (FSGS2). Identifiers: Orphanet 656, MedGen C1858915, MONDO:0011390, OMIM 603965.

Allele frequency attached by ClinVar (database versions not stated): ESP Exome Variant Server 0.00008; gnomAD 0.00011 and 0.00013; gnomAD exomes 0.00011 and 0.00022; TOPMed 0.00018; ExAC 0.00022.
gnomAD v4.1: 182 of 1,613,878 alleles (0.011%); highest among the groups gnomAD compares: East Asian, 0.31%; 1 homozygote.

Submissions (4):

Labcorp Genetics (formerly Invitae), Labcorp
Classification: Likely benign. Last evaluated: 2025-12-12. Review status: criteria provided, single submitter. Criteria: Invitae Variant Classification Sherloc (09022015). Collection method: clinical testing. Allele origin: germline.

PreventionGenetics, part of Exact Sciences
Classification: Likely benign for TRPC6-related condition. Last evaluated: 2025-06-25. Review status: criteria provided, single submitter. Criteria: ACMG Guidelines, 2015. Collection method: clinical testing. Allele origin: germline.
Comment: This variant is classified as likely benign based on ACMG/AMP sequence variant interpretation guidelines (Richards et al. 2015 PMID: 25741868, with internal and published modifications).

Ambry Genetics
Classification: Likely benign for Inborn genetic diseases. Last evaluated: 2024-02-26. Review status: criteria provided, single submitter. Criteria: Ambry Variant Classification Scheme 2023. Collection method: clinical testing. Allele origin: germline.

Illumina Laboratory Services, Illumina
Classification: Benign for Focal segmental glomerulosclerosis 2. Last evaluated: 2018-01-13. Review status: criteria provided, single submitter. Criteria: ICSL Variant Classification Criteria 13 December 2019. Collection method: clinical testing. Allele origin: germline.
Comment: This variant was observed in the ICSL laboratory as part of a predisposition screen in an ostensibly healthy population. It had not been previously curated by ICSL or reported in the Human Gene Mutation Database (HGMD: prior to June 1st, 2018), and was therefore a candidate for classification through an automated scoring system. Utilizing variant allele frequency, disease prevalence and penetrance estimates, and inheritance mode, an automated score was calculated to assess if this variant is too frequent to cause the disease. Based on the score and internal cut-off values, a variant classified as benign is not then subjected to further curation. The score for this variant resulted in a classification of benign for this disease.

NM_004621.6(TRPC6):c.2770C>T (p.Pro924Ser)

Gene: TRPC6 (transient receptor potential cation channel subfamily C member 6; minus strand). Cytogenetic location: 11q22.1.
Variant type: single nucleotide variant.
Coding change: c.2770C>T on transcript NM_004621.6 (MANE Select); coding-DNA position 2770, C replaced by T.
Protein change: p.Pro924Ser; replaces proline 924 with serine.
Molecular consequence: missense variant.
Genome position (GRCh38, 1-based): chr11:101,452,981, G>A on the plus strand (C>T on the coding strand, the complement: TRPC6 is on the minus strand). VCF-style: chr11-101452981-G-A. GRCh37 (hg19) VCF-style: chr11-101323712-G-A.
Other names: short protein forms P924S.
Identifiers: ClinVar variation 301898 (VCV000301898.15), dbSNP rs139330011, ClinGen allele CA6244017.